The following is an entry in ClinVar:

NM_000548.5(TSC2):c.336+8C>T

Gene: TSC2 (TSC complex subunit 2; plus strand). Cytogenetic location: 16p13.3.
Variant type: single nucleotide variant.
Coding change: c.336+8C>T on transcript NM_000548.5 (MANE Select); 8 bases into the intron after coding-DNA position 336, C replaced by T.
Molecular consequence: intron variant.
Genome position (GRCh38, 1-based): chr16:2,053,460, C>T. VCF-style: chr16-2053460-C-T. GRCh37 (hg19) VCF-style: chr16-2103461-C-T.
Other names: c.336+8C>T (NM_001114382.3, NM_021055.3, NM_001370405.1 and 3 more transcripts); c.226-836C>T (NM_001318827.2); c.-1-2736C>T (NM_001318831.2); c.189+8C>T (NM_001318829.2); c.369+8C>T (NM_001318832.2).
Identifiers: ClinVar variation 390659 (VCV000390659.13), dbSNP rs779174834, ClinGen allele CA046185.

ClinVar aggregate classification (germline): Benign/Likely benign. Review status: criteria provided, multiple submitters, no conflicts (2 of 4 stars). 4 submissions from 4 submitters: Benign (1); Likely benign (3). Last evaluated 2025-11-01.

Conditions:
Tuberous sclerosis 2 (TSC2). Identifiers: Orphanet 805, MedGen C1860707, MONDO:0013199, OMIM 613254.

Allele frequency attached by ClinVar (database versions not stated): ExAC below 0.00001; gnomAD 0.00001; TOPMed 0.00001.

Submissions (4):

Labcorp Genetics (formerly Invitae), Labcorp
Classification: Likely benign for Tuberous sclerosis 2. Last evaluated: 2025-11-01. Review status: criteria provided, single submitter. Criteria: Invitae Variant Classification Sherloc (09022015). Collection method: clinical testing. Allele origin: germline.

Myriad Genetics, Inc.
Classification: Likely benign for Tuberous sclerosis 2. Last evaluated: 2025-05-02. Review status: criteria provided, single submitter. Criteria: Myriad Autosomal Dominant, Autosomal Recessive and X-Linked Classification Criteria (2023). Collection method: clinical testing. Allele origin: unknown.
Comment: This variant is considered likely benign. This variant is intronic and is not expected to impact mRNA splicing.

Genome-Nilou Lab
Classification: Benign for Tuberous sclerosis 2. Last evaluated: 2021-11-07. Review status: criteria provided, single submitter. Criteria: ACMG Guidelines, 2015. Collection method: clinical testing. Allele origin: germline. Affected: no.

GeneDx
Classification: Likely benign. Last evaluated: 2016-11-03. Review status: criteria provided, single submitter. Criteria: GeneDx Variant Classification (06012015). Collection method: clinical testing. Allele origin: germline. Affected: yes.
Comment: This variant is considered likely benign or benign based on one or more of the following criteria: it is a conservative change, it occurs at a poorly conserved position in the protein, it is predicted to be benign by multiple in silico algorithms, and/or has population frequency not consistent with disease.